The following is an entry in ClinVar:

ClinVar aggregate classification (germline): Conflicting classifications of pathogenicity. Review status: criteria provided, conflicting classifications (1 of 4 stars). 3 submissions from 3 submitters: Uncertain significance (2); Likely benign (1). Last evaluated 2025-12-01.

Allele frequency attached by ClinVar (database versions not stated): gnomAD 0.00001 and 0.00002; gnomAD exomes 0.00001 and 0.00003; ExAC 0.00002; TOPMed 0.00003; ESP Exome Variant Server 0.00008.
gnomAD v4.1: 49 of 1,600,912 alleles (0.0031%); highest among the groups gnomAD compares: Non-Finnish European, 0.0041%; no homozygotes.

Submissions (3):

CeGaT Center for Human Genetics Tuebingen
Classification: Uncertain significance. Last evaluated: 2025-12-01. Review status: criteria provided, single submitter. Criteria: CeGaT Center For Human Genetics Tuebingen Variant Classification Criteria Version 2. Collection method: clinical testing. Allele origin: germline. Affected: yes. Observed: 1 variant allele.
Comment: SCP2: PM2:Supporting

Labcorp Genetics (formerly Invitae), Labcorp
Classification: Likely benign. Last evaluated: 2025-11-09. Review status: criteria provided, single submitter. Criteria: Invitae Variant Classification Sherloc (09022015). Collection method: clinical testing. Allele origin: germline.

Blueprint Genetics
Classification: Uncertain significance. Last evaluated: 2024-09-12. Review status: criteria provided, single submitter. Criteria: ACMG Guidelines, 2015. Collection method: clinical testing. Allele origin: germline.

NM_002979.5(SCP2):c.57T>A (p.Val19=)

Gene: SCP2 (sterol carrier protein 2; plus strand). Cytogenetic location: 1p32.3.
Variant type: single nucleotide variant.
Coding change: c.57T>A on transcript NM_002979.5 (MANE Select); coding-DNA position 57, T replaced by A.
Protein change: p.Val19=; no amino-acid change (valine 19 retained).
Molecular consequence: synonymous variant. On other transcripts: 5 prime UTR variant (1).
Genome position (GRCh38, 1-based): chr1:52,927,453, T>A. VCF-style: chr1-52927453-T-A. GRCh37 (hg19) VCF-style: chr1-53393125-T-A.
Other names: c.57T>A, p.Val19= (NM_001007098.3, NM_001193599.2, NM_001193600.2 and 1 more transcripts); c.-129T>A (NM_001193617.2).
Identifiers: ClinVar variation 1475368 (VCV001475368.13), dbSNP rs369597903, ClinGen allele CA856986.